The following is an entry in ClinVar:

NM_000051.3:c.7967_7968insALU

Gene: ATM (ATM serine/threonine kinase; plus strand).
Variant type: Insertion.
Identifiers: ClinVar variation 4866407 (VCV004866407.1).

ClinVar aggregate classification (germline): Likely pathogenic (1 of 4 stars; one submission).

Conditions:
Hereditary cancer-predisposing syndrome. Also called: Neoplastic Syndromes, Hereditary; Tumor predisposition; Hereditary Cancer Syndrome; Hereditary neoplastic syndrome. Identifiers: Orphanet 140162, MedGen C0027672, MeSH D009386, MONDO:0015356.

Submission:

Ambry Genetics
Classification: Likely pathogenic for Hereditary cancer-predisposing syndrome. Last evaluated: 2026-04-30. Review status: criteria provided, single submitter. Criteria: Ambry Variant Classification Scheme 2023. Collection method: clinical testing. Allele origin: germline.
Comment: The c.7967_7968insAlu likely pathogenic variant results from the insertion of an Alu element between nucleotides 7967 and 7968 in coding exon 53 of the ATM gene. Mobile element insertions contribute to pathogenicity by either disrupting the coding sequence or inducing aberrant splicing (Belancio VP et al. Semin. Cancer Biol. 2010 Aug;20:200-10; Deininger P et al. Genome Biol. 2011 Dec;12:236; van der Klift HM Hum Mutat. 2012 Jul;33(7):1051-5). Based on the majority of available evidence to date, this variant is likely to be pathogenic.